The following is an entry in ClinVar:

NM_058195.4(CDKN2A):c.46G>A (p.Gly16Ser)

Gene: CDKN2A (cyclin dependent kinase inhibitor 2A; minus strand). Cytogenetic location: 9p21.3.
Variant type: single nucleotide variant.
Coding change: c.46G>A on transcript NM_058195.4 (MANE Plus Clinical); coding-DNA position 46, G replaced by A.
Protein change: p.Gly16Ser; replaces glycine 16 with serine.
Molecular consequence: missense variant. On other transcripts: intron variant (1).
Genome position (GRCh38, 1-based): chr9:21,994,286, C>T on the plus strand (G>A on the coding strand, the complement: CDKN2A is on the minus strand). VCF-style: chr9-21994286-C-T. GRCh37 (hg19) VCF-style: chr9-21994285-C-T.
Other names: c.-4+535G>A (NM_001363763.2); short protein forms G16S.
Identifiers: ClinVar variation 856797 (VCV000856797.9), dbSNP rs773459232, ClinGen allele CA5012399.
Genomic context (GRCh38, chr9:21,994,286, plus strand): 5'-CTGCCCACTCCCCCGTGAGCCGCGGGATGTGAACCACGAAAACCCTCACTCGCGGCGGGC[C>T]GCACGCGCGCCGAATCCGGAGGGTCACCAAGAACCTGCGCACCATGTTCTCGCCGCCTCC-3'
Protein context (NP_478102.2, residues 6-26): LVTLRIRRAC[Gly16Ser]PPRVRVFVVH

ClinVar aggregate classification (germline): Uncertain significance. Review status: criteria provided, multiple submitters, no conflicts (2 of 4 stars). 4 submissions from 4 submitters: Uncertain significance (4). Last evaluated 2024-06-07.

Conditions:
Familial melanoma. Also called: Hereditary melanoma; Hereditary cutaneous melanoma. Identifiers: Orphanet 618, MedGen C1512419, MONDO:0018961.
Melanoma and neural system tumor syndrome. Also called: MELANOMA-ASTROCYTOMA SYNDROME. Identifiers: Orphanet 252206, MedGen C1835042, MONDO:0007967, OMIM 155755.
Melanoma-pancreatic cancer syndrome. Identifiers: Orphanet 404560, MedGen C1838547, MONDO:0011713, OMIM 606719. Disease mechanism: loss of function.
Hereditary cancer-predisposing syndrome. Also called: Tumor predisposition; Neoplastic Syndromes, Hereditary; Hereditary Cancer Syndrome; Hereditary neoplastic syndrome. Identifiers: Orphanet 140162, MedGen C0027672, MeSH D009386, MONDO:0015356.

Allele frequency attached by ClinVar (database versions not stated): ExAC below 0.00001; gnomAD 0.00001.
gnomAD v4.1: 2 of 1,603,748 alleles (0.00012%); highest among the groups gnomAD compares: Middle Eastern, 0.033%; no homozygotes.

Submissions (4):

Ambry Genetics
Classification: Uncertain significance for Hereditary cancer-predisposing syndrome. Last evaluated: 2024-06-07. Review status: criteria provided, single submitter. Criteria: Ambry Variant Classification Scheme 2023. Collection method: clinical testing. Allele origin: germline.
Comment: The p.G16S variant (also known as c.46G>A), located in coding exon 1 of the CDKN2A (p14ARF) gene, results from a G to A substitution at nucleotide position 46. The glycine at codon 16 is replaced by serine, an amino acid with similar properties. This amino acid position is well conserved in available vertebrate species. Based on the available evidence, the clinical significance of this variant remains unclear.

Baylor Genetics
Classification: Uncertain significance for Melanoma and neural system tumor syndrome. Last evaluated: 2023-12-07. Review status: criteria provided, single submitter. Criteria: ACMG Guidelines, 2015. Collection method: clinical testing. Allele origin: unknown.

St. Jude Molecular Pathology, St. Jude Children's Research Hospital
Classification: Uncertain significance for Melanoma-pancreatic cancer syndrome. Last evaluated: 2023-01-23. Review status: criteria provided, single submitter. Criteria: St. Jude Assertion Criteria 2020. Collection method: clinical testing. Allele origin: germline.
Comment: The CDKN2A c.46G>A (p.Gly16Ser) missense change is absent in gnomAD v2.1.1. The in silico tool REVEL predicts a benign effect on protein function. To our knowledge, this variant has not been reported in individuals with malignant melanoma and/or pancreatic cancer. In summary, the evidence currently available is insufficient to determine the clinical significance of this variant. It has therefore been classified as of uncertain significance.

Labcorp Genetics (formerly Invitae), Labcorp
Classification: Uncertain significance for Familial melanoma. Last evaluated: 2021-11-12. Review status: criteria provided, single submitter. Criteria: Invitae Variant Classification Sherloc (09022015). Collection method: clinical testing. Allele origin: germline.
Comment: This sequence change replaces glycine, which is neutral and non-polar, with serine, which is neutral and polar, at codon 16 of the CDKN2A (p14ARF) protein (p.Gly16Ser). This variant is not present in population databases (gnomAD no frequency). This variant has not been reported in the literature in individuals affected with CDKN2A (p14ARF)-related conditions. ClinVar contains an entry for this variant (Variation ID: 856797). Algorithms developed to predict the effect of missense changes on protein structure and function are either unavailable or do not agree on the potential impact of this missense change (SIFT: "Tolerated"; PolyPhen-2: "Probably Damaging"; Align-GVGD: "Class C0"). Algorithms developed to predict the effect of sequence changes on RNA splicing suggest that this variant may create or strengthen a splice site. In summary, the available evidence is currently insufficient to determine the role of this variant in disease. Therefore, it has been classified as a Variant of Uncertain Significance.